The following is an entry in ClinVar:

ClinVar aggregate classification (germline): Benign/Likely benign. Review status: criteria provided, multiple submitters, no conflicts (2 of 4 stars). 3 submissions from 3 submitters: Benign (1); Likely benign (2). Last evaluated 2025-11-24.

Conditions:
CFAP410-related disorder. Also called: CFAP410-related condition.

Allele frequency attached by ClinVar (database versions not stated): gnomAD 0.00005; ExAC 0.00007; TOPMed 0.00007; ESP Exome Variant Server 0.00008; gnomAD exomes 0.00012.
gnomAD v4.1: 122 of 1,612,130 alleles (0.0076%); highest among the groups gnomAD compares: East Asian, 0.0067%; no homozygotes.

Submissions (3):

Labcorp Genetics (formerly Invitae), Labcorp
Classification: Likely benign. Last evaluated: 2025-11-24. Review status: criteria provided, single submitter. Criteria: Invitae Variant Classification Sherloc (09022015). Collection method: clinical testing. Allele origin: germline.

PreventionGenetics, part of Exact Sciences
Classification: Likely benign for CFAP410-related condition. Last evaluated: 2025-05-20. Review status: criteria provided, single submitter. Criteria: ACMG Guidelines, 2015. Collection method: clinical testing. Allele origin: germline.
Comment: This variant is classified as likely benign based on ACMG/AMP sequence variant interpretation guidelines (Richards et al. 2015 PMID: 25741868, with internal and published modifications).

Blueprint Genetics
Classification: Benign. Last evaluated: 2024-03-01. Review status: criteria provided, single submitter. Criteria: ACMG Guidelines, 2015. Collection method: clinical testing. Allele origin: germline.

NM_004928.3(CFAP410):c.514C>T (p.Arg172Trp)

Gene: CFAP410 (cilia and flagella associated protein 410; minus strand). Cytogenetic location: 21q22.3.
Variant type: single nucleotide variant.
Coding change: c.514C>T on transcript NM_004928.3 (MANE Select); coding-DNA position 514, C replaced by T.
Protein change: p.Arg172Trp; replaces arginine 172 with tryptophan.
Molecular consequence: missense variant.
Genome position (GRCh38, 1-based): chr21:44,331,874, G>A on the plus strand (C>T on the coding strand, the complement: CFAP410 is on the minus strand). VCF-style: chr21-44331874-G-A. GRCh37 (hg19) VCF-style: chr21-45751757-G-A.
Other names: c.514C>T, p.Arg172Trp (NM_001271440.2, NM_001271441.2); c.391C>T, p.Arg131Trp (NM_001271442.1); c.514C>T (NM_004928.2); short protein forms R131W, R172W.
Identifiers: ClinVar variation 1586608 (VCV001586608.10), dbSNP rs139038672, ClinGen allele CA10053650.
Genomic context (GRCh38, chr21:44,331,874, plus strand): 5'-GCGGAGTCCCCGCTGCCCTCCAGCCTCACGTTGCCTCCTCCTCGCTGTCCAGCGGGTCCC[G>A]GCCAGTCTCAGCAGCGGAGCTGAGGGAGCTCAGTGTGCAGCATAGCTTGGGGCCGCCGTG-3'
Protein context (NP_004919.1, residues 162-182): SSLSSAAETG[Arg172Trp]DPLDSEEEAT